The following is an entry in ClinVar:

ClinVar aggregate classification (germline): Uncertain significance (1 of 4 stars; one submission).

Submission:

Labcorp Genetics (formerly Invitae), Labcorp
Classification: Uncertain significance. Last evaluated: 2025-01-08. Review status: criteria provided, single submitter. Criteria: Invitae Variant Classification Sherloc (09022015). Collection method: clinical testing. Allele origin: germline.
Comment: This sequence change replaces alanine, which is neutral and non-polar, with threonine, which is neutral and polar, at codon 820 of the CDH3 protein (p.Ala820Thr). This variant is not present in population databases (gnomAD no frequency). This variant has not been reported in the literature in individuals affected with CDH3-related conditions. Invitae Evidence Modeling of protein sequence and biophysical properties (such as structural, functional, and spatial information, amino acid conservation, physicochemical variation, residue mobility, and thermodynamic stability) indicates that this missense variant is not expected to disrupt CDH3 protein function with a negative predictive value of 80%. In summary, the available evidence is currently insufficient to determine the role of this variant in disease. Therefore, it has been classified as a Variant of Uncertain Significance.

NM_001793.6(CDH3):c.2458G>A (p.Ala820Thr)

Gene: CDH3 (cadherin 3; plus strand). Cytogenetic location: 16q22.1.
Variant type: single nucleotide variant.
Coding change: c.2458G>A on transcript NM_001793.6 (MANE Select); coding-DNA position 2458, G replaced by A.
Protein change: p.Ala820Thr; replaces alanine 820 with threonine.
Molecular consequence: missense variant. On other transcripts: 3 prime UTR variant (1).
Genome position (GRCh38, 1-based): chr16:68,698,368, G>A. VCF-style: chr16-68698368-G-A. GRCh37 (hg19) VCF-style: chr16-68732271-G-A.
Other names: c.*201G>A (NM_001317195.3); c.2293G>A, p.Ala765Thr (NM_001317196.2); short protein forms A765T, A820T.
Identifiers: ClinVar variation 3604291 (VCV003604291.2).